The following is an entry in ClinVar:

NM_003243.5(TGFBR3):c.1827C>T (p.Gly609=)

Gene: TGFBR3 (transforming growth factor beta receptor 3; minus strand). Cytogenetic location: 1p22.1.
Variant type: single nucleotide variant.
Coding change: c.1827C>T on transcript NM_003243.5 (MANE Select); coding-DNA position 1827, C replaced by T.
Protein change: p.Gly609=; no amino-acid change (glycine 609 retained).
Molecular consequence: synonymous variant. On other transcripts: non-coding transcript variant (1).
Genome position (GRCh38, 1-based): chr1:91,716,275, G>A on the plus strand (C>T on the coding strand, the complement: TGFBR3 is on the minus strand). VCF-style: chr1-91716275-G-A. GRCh37 (hg19) VCF-style: chr1-92181832-G-A.
Other names: NC_000001.10:g.92181832G>A; c.1824C>T, p.Gly608= (NM_001195683.2, NM_001195684.1).
Identifiers: ClinVar variation 3044142 (VCV003044142.3), dbSNP rs114901303, ClinGen allele CA947695.

ClinVar aggregate classification (germline): Likely benign (0 of 4 stars; one submission).

Conditions:
TGFBR3-related disorder. Also called: TGFBR3-related condition.

Allele frequency attached by ClinVar (database versions not stated): 1000 Genomes Project 30x 0.00484; ExAC 0.00107; gnomAD 0.00368; TOPMed 0.00423; gnomAD exomes 0.00036; ESP Exome Variant Server 0.00354; 1000 Genomes Project 0.00459.
gnomAD v4.1: 1,114 of 1,614,126 alleles (0.069%); highest among the groups gnomAD compares: African/African-American, 1.2%; 8 homozygotes.

Submissions (2):

PreventionGenetics, part of Exact Sciences
Classification: Likely benign for TGFBR3-related condition. Last evaluated: 2019-04-01. Review status: no assertion criteria provided. Collection method: clinical testing. Allele origin: germline.
Comment: This variant is classified as likely benign based on ACMG/AMP sequence variant interpretation guidelines (Richards et al. 2015 PMID: 25741868, with internal and published modifications).

Dr. Peter K. Rogan Lab, Western University
No classification provided (evidence only). Condition: Malignant tumor of urinary bladder. Review status: no classification provided. Collection method: in vitro. Allele origin: not applicable. Functional consequence: retained intron. Not counted in ClinVar's aggregate classification.